The following is an entry in ClinVar:

ClinVar aggregate classification (germline): Benign. Review status: reviewed by expert panel (3 of 4 stars). 7 submissions from 6 submitters: Benign (1). 6 of the submissions do not count toward it. Last evaluated 2026-02-04.

Conditions:
Open-angle glaucoma. Identifiers: MedGen C0017612, MONDO:0005338, HP:0012108.
Glaucoma 1, open angle, A (GLC1A). Also called: Glaucoma, Dominant (Juvenile Onset). Identifiers: Orphanet 98977, MedGen C1842028, MONDO:0007664, OMIM 137750.
MYOC-related disorder. Also called: MYOC-related disorders; MYOC-related condition. Identifiers: MedGen CN239330.
Glaucoma. Identifiers: MedGen C0017601, MONDO:0005041, HP:0000501.

Allele frequency attached by ClinVar (database versions not stated): 1000 Genomes Project 30x 0.00312; TOPMed 0.00327; ESP Exome Variant Server 0.00346; 1000 Genomes Project 0.00359.

Submissions (7):

ClinGen Glaucoma Variant Curation Expert Panel
Classification: Benign for Open-angle glaucoma. Last evaluated: 2026-02-04. Review status: reviewed by expert panel. Criteria: ClinGen Glaucoma ACMG Specifications V2.0.0 Approved. Collection method: curation. Allele origin: germline. Inheritance: Autosomal dominant inheritance.
Comment: The c.612G>T variant in MYOC is a synonymous variant (p.Thr204=). The highest minor allele frequency of this variant was in the African/African American genetic ancestry group of gnomAD (v4.1.0) = 0.01068, which met the ≥ 0.01 threshold set for BA1 (801 alleles out of 75,008, meeting the threshold of ≥ 5 of at least 2,000 observed alleles). The SpliceAI score = 0.04, which met the ≤ 0.1 threshold for BP4, suggesting that the variant does not impact MYOC function. This synonymous variant meets BP4, so BP7 is met. The Thr204= protein had similar solubility and secretion levels compared to wild type myocilin protein in this study (PMIDs: 35196929). The assays met the OddsPath threshold for BS3_Moderate (< 0.23), indicating that this variant did not impact protein function. Although probands with primary open angle glaucoma have been reported carrying this variant, PM2_Supporting was not met, therefore PS4 did not apply. In summary, this variant was classified as benign (BA1 is a stand-alone criterion for a benign level of pathogenicity) for primary open angle glaucoma based on the ACMG/AMP criteria met, as specified by the ClinGen Glaucoma VCEP (v2.0.0, 5 Dec 2024): BA1, BS3_Moderate, BP4, BP7

Labcorp Genetics (formerly Invitae), Labcorp
Classification: Benign. Last evaluated: 2025-05-05. Review status: criteria provided, single submitter. Criteria: Invitae Variant Classification Sherloc (09022015). Collection method: clinical testing. Allele origin: germline. Not counted in ClinVar's aggregate classification.

PreventionGenetics, part of Exact Sciences
Classification: Benign for MYOC-related condition. Last evaluated: 2025-01-29. Review status: criteria provided, single submitter. Criteria: ACMG Guidelines, 2015. Collection method: clinical testing. Allele origin: germline. Not counted in ClinVar's aggregate classification.
Comment: This variant is classified as benign based on ACMG/AMP sequence variant interpretation guidelines (Richards et al. 2015 PMID: 25741868, with internal and published modifications).

Fulgent Genetics
Classification: Likely benign for Glaucoma 1, open angle, A. Last evaluated: 2022-04-18. Review status: criteria provided, single submitter. Criteria: ACMG Guidelines, 2015. Collection method: clinical testing. Allele origin: unknown. Not counted in ClinVar's aggregate classification.

Illumina Laboratory Services, Illumina
Classification: Likely benign for Glaucoma. Last evaluated: 2017-04-27. Review status: criteria provided, single submitter. Criteria: ICSL Variant Classification Criteria 13 December 2019. Collection method: clinical testing. Allele origin: germline. Not counted in ClinVar's aggregate classification.
Comment: This variant was observed as part of a predisposition screen in an ostensibly healthy population. A literature search was performed for the gene, cDNA change, and amino acid change (where applicable). No publications were found based on this search. Allele frequency data from public databases allowed determination this variant is unlikely to cause disease. Therefore, this variant is classified as likely benign.

Illumina Laboratory Services, Illumina
Classification: Likely benign for Glaucoma 1, open angle, A. Last evaluated: 2017-04-27. Review status: criteria provided, single submitter. Criteria: ICSL Variant Classification Criteria 13 December 2019. Collection method: clinical testing. Allele origin: germline. Not counted in ClinVar's aggregate classification.
Comment: This variant was observed as part of a predisposition screen in an ostensibly healthy population. A literature search was performed for the gene, cDNA change, and amino acid change (where applicable). Publications were found based on this search. The evidence from the literature, in combination with allele frequency data from public databases where available, was sufficient to determine this variant is unlikely to cause disease. Therefore, this variant is classified as likely benign.

Breakthrough Genomics
Classification: Benign. Review status: criteria provided, single submitter. Criteria: ACMG Guidelines, 2015. Collection method: not provided. Allele origin: germline. Inheritance: Autosomal dominant inheritance. Affected: yes. Not counted in ClinVar's aggregate classification.

Literature cited by the submitters: PubMed 35196929 (cited by ClinGen Glaucoma Variant Curation Expert Panel); PubMed 12872267 (cited by Illumina Laboratory Services, Illumina); PubMed 11004290 (cited by Illumina Laboratory Services, Illumina); PubMed 22933836 (cited by Illumina Laboratory Services, Illumina); PubMed 9535666 (cited by Illumina Laboratory Services, Illumina); PubMed 10196380 (cited by Illumina Laboratory Services, Illumina); PubMed 21552496 (cited by Illumina Laboratory Services, Illumina).

NM_000261.2(MYOC):c.612G>T (p.Thr204=)

Gene: MYOC (myocilin; minus strand). Cytogenetic location: 1q24.3.
Variant type: single nucleotide variant.
Coding change: c.612G>T on transcript NM_000261.2 (MANE Select); coding-DNA position 612, G replaced by T.
Protein change: p.Thr204=; no amino-acid change (threonine 204 retained).
Molecular consequence: synonymous variant.
Genome position (GRCh38, 1-based): chr1:171,638,715, C>A on the plus strand (G>T on the coding strand, the complement: MYOC is on the minus strand). VCF-style: chr1-171638715-C-A. GRCh37 (hg19) VCF-style: chr1-171607855-C-A.
Other names: NM_000261.2(MYOC):c.612G>T; p.Thr204=.
Identifiers: ClinVar variation 728934 (VCV000728934.20), dbSNP rs57824969, ClinGen allele CA1244212.